The following is an entry in ClinVar:

NM_000051.4(ATM):c.2816C>T (p.Thr939Ile)

Gene: ATM (ATM serine/threonine kinase; plus strand). Cytogenetic location: 11q22.3.
Variant type: single nucleotide variant.
Coding change: c.2816C>T on transcript NM_000051.4 (MANE Select); coding-DNA position 2816, C replaced by T.
Protein change: p.Thr939Ile; replaces threonine 939 with isoleucine.
Molecular consequence: missense variant.
Genome position (GRCh38, 1-based): chr11:108,268,587, C>T. VCF-style: chr11-108268587-C-T. GRCh37 (hg19) VCF-style: chr11-108139314-C-T.
Other names: c.2816C>T, p.Thr939Ile (NM_001351834.2); short protein forms T939I.
Identifiers: ClinVar variation 1796381 (VCV001796381.4), dbSNP rs2135526987, ClinGen allele CA382545758.

ClinVar aggregate classification (germline): Uncertain significance. Review status: criteria provided, multiple submitters, no conflicts (2 of 4 stars). 2 submissions from 2 submitters: Uncertain significance (2). Last evaluated 2024-05-05.

Conditions:
Ataxia-telangiectasia syndrome (AT). Also called: Ataxia-telangiectasia, complementation group D; AT, COMPLEMENTATION GROUP C; ATAXIA-TELANGIECTASIA, COMPLEMENTATION GROUP A; ATAXIA-TELANGIECTASIA, FRESNO VARIANT; Ataxia-telangiectasia; LOUIS-BAR SYNDROME. Identifiers: Orphanet 100, MedGen C0004135, MONDO:0008840, OMIM 208900.
Hereditary cancer-predisposing syndrome. Also called: Neoplastic Syndromes, Hereditary; Tumor predisposition; Hereditary neoplastic syndrome; Hereditary Cancer Syndrome. Identifiers: Orphanet 140162, MedGen C0027672, MeSH D009386, MONDO:0015356.

Submissions (2):

Labcorp Genetics (formerly Invitae), Labcorp
Classification: Uncertain significance for Ataxia-telangiectasia syndrome. Last evaluated: 2024-05-05. Review status: criteria provided, single submitter. Criteria: Invitae Variant Classification Sherloc (09022015). Collection method: clinical testing. Allele origin: germline.
Comment: This sequence change replaces threonine, which is neutral and polar, with isoleucine, which is neutral and non-polar, at codon 939 of the ATM protein (p.Thr939Ile). This variant is not present in population databases (gnomAD no frequency). This variant has not been reported in the literature in individuals affected with ATM-related conditions. ClinVar contains an entry for this variant (Variation ID: 1796381). An algorithm developed to predict the effect of missense changes on protein structure and function (PolyPhen-2) suggests that this variant is likely to be tolerated. In summary, the available evidence is currently insufficient to determine the role of this variant in disease. Therefore, it has been classified as a Variant of Uncertain Significance.

Ambry Genetics
Classification: Uncertain significance for Hereditary cancer-predisposing syndrome. Last evaluated: 2021-07-24. Review status: criteria provided, single submitter. Criteria: Ambry Variant Classification Scheme 2023. Collection method: clinical testing. Allele origin: germline.
Comment: The p.T939I variant (also known as c.2816C>T), located in coding exon 17 of the ATM gene, results from a C to T substitution at nucleotide position 2816. The threonine at codon 939 is replaced by isoleucine, an amino acid with similar properties. This amino acid position is conserved. In addition, this alteration is predicted to be tolerated by in silico analysis. Since supporting evidence is limited at this time, the clinical significance of this alteration remains unclear.